The following is an entry in ClinVar:

ClinVar aggregate classification (germline): Uncertain significance (1 of 4 stars; one submission).

Conditions:
Inborn genetic diseases. Identifiers: MedGen C0950123, MeSH D030342.

Submission:

Ambry Genetics
Classification: Uncertain significance for Inborn genetic diseases. Last evaluated: 2022-07-05. Review status: criteria provided, single submitter. Criteria: Ambry Variant Classification Scheme 2023. Collection method: clinical testing. Allele origin: germline.
Comment: The c.63+6C>T intronic alteration consists of a C to T substitution nucleotides after coding exon 1 in the SHANK3 gene. Based on insufficient or conflicting evidence, the clinical significance of this alteration remains unclear.

NM_001372044.2(SHANK3):c.290+6C>T

Gene: SHANK3 (SH3 and multiple ankyrin repeat domains 3; plus strand). Cytogenetic location: 22q13.33.
Variant type: single nucleotide variant.
Coding change: c.290+6C>T on transcript NM_001372044.2 (MANE Select); 6 bases into the intron after coding-DNA position 290, C replaced by T.
Molecular consequence: intron variant.
Genome position (GRCh38, 1-based): chr22:50,674,710, C>T. VCF-style: chr22-50674710-C-T. GRCh37 (hg19) VCF-style: chr22-51113138-C-T.
Other names: c.63+6C>T (NM_033517.1).
Identifiers: ClinVar variation 2297105 (VCV002297105.2), dbSNP rs2518368084, ClinGen allele CA2580099940.